The following is an entry in ClinVar:

GRCh38/hg38 7q11.23(chr7:73040501-75255046)x3

Genes: ABHD11 (abhydrolase domain containing 11; minus strand), ABHD11-AS1 (ABHD11 antisense RNA 1 (tail to tail); plus strand), BAZ1B (bromodomain adjacent to zinc finger domain 1B; minus strand), BCL7B (BAF chromatin remodeling complex subunit BCL7B; minus strand), BUD23 (BUD23 rRNA methyltransferase and ribosome maturation factor; plus strand) and 146 more. Cytogenetic location: 7q11.23.
Variant type: copy number gain.
Change: copy number 3 (three copies instead of two) of chr7:73,040,501-75,255,046 (2.21 Mb, GRCh38 coordinates, 1-based), cytogenetic band 7q11.23.
Identifiers: ClinVar variation 146414 (VCV000146414.2).

ClinVar aggregate classification (germline): Uncertain significance (0 of 4 stars; one submission).

Submission:

ISCA site 1
Classification: Uncertain significance. Last evaluated: 2011-05-06. Review status: no assertion criteria provided. Collection method: clinical testing. Allele origin: maternal. Affected: yes. Observed: 1 variant allele.
Comment: Copy number variation identified through the course of routine clinical cytogenomic testing in postnatal populations. Clinical assertions have been curated as described in Kaminsky et al. 2011.

Copy number variation identified through the course of routine clinical cytogenomic testing in postnatal populations. Clinical assertions have been curated as described in Kaminsky, et al. 2011 (PubMed 21844811). For additional ClinGen data, please see nstd37.